The following is an entry in ClinVar:

ClinVar aggregate classification (germline): Uncertain significance (1 of 4 stars; one submission).

Submission:

GeneDx
Classification: Uncertain significance. Last evaluated: 2025-02-18. Review status: criteria provided, single submitter. Criteria: GeneDx Variant Classification Process June 2021. Collection method: clinical testing. Allele origin: germline. Affected: yes.
Comment: Not observed at significant frequency in large population cohorts (gnomAD); In silico analysis indicates that this missense variant does not alter protein structure/function; Has not been previously published as pathogenic or benign to our knowledge

NM_001366521.1(ATP2B1):c.615A>G (p.Ile205Met)

Gene: ATP2B1 (ATPase plasma membrane Ca2+ transporting 1; minus strand). Cytogenetic location: 12q21.33.
Variant type: single nucleotide variant.
Coding change: c.615A>G on transcript NM_001366521.1 (MANE Select); coding-DNA position 615, A replaced by G.
Protein change: p.Ile205Met; replaces isoleucine 205 with methionine.
Molecular consequence: missense variant. On other transcripts: non-coding transcript variant (3), intron variant (7).
Genome position (GRCh38, 1-based): chr12:89,635,043, T>C on the plus strand (A>G on the coding strand, the complement: ATP2B1 is on the minus strand). VCF-style: chr12-89635043-T-C. GRCh37 (hg19) VCF-style: chr12-90028820-T-C.
Other names: c.615A>G, p.Ile205Met (NM_001001323.2, NM_001366520.1, NM_001366522.1 and 17 more transcripts); c.417A>G, p.Ile139Met (NM_001366530.1, NM_001413053.1); c.406+7115A>G (NM_001413060.1, NM_001366531.1, NM_001413058.1 and 2 more transcripts); c.407-140A>G (NM_001413056.1); c.209-140A>G (NM_001413057.1); short protein forms I139M, I205M.
Identifiers: ClinVar variation 4075734 (VCV004075734.1).